The following is an entry in ClinVar:

ClinVar aggregate classification (germline): Uncertain significance (1 of 4 stars; one submission).

Allele frequency attached by ClinVar (database versions not stated): TOPMed below 0.00001.
gnomAD v4.1: 2 of 1,614,108 alleles (0.00012%); highest among the groups gnomAD compares: Admixed American, 0.0017%; no homozygotes.

Submission:

Labcorp Genetics (formerly Invitae), Labcorp
Classification: Uncertain significance. Last evaluated: 2025-05-05. Review status: criteria provided, single submitter. Criteria: Invitae Variant Classification Sherloc (09022015). Collection method: clinical testing. Allele origin: germline.
Comment: This sequence change replaces serine, which is neutral and polar, with asparagine, which is neutral and polar, at codon 184 of the ACBD5 protein (p.Ser184Asn). This variant is present in population databases (no rsID available, gnomAD 0.003%). This variant has not been reported in the literature in individuals affected with ACBD5-related conditions. ClinVar contains an entry for this variant (Variation ID: 1950417). Invitae Evidence Modeling of protein sequence and biophysical properties (such as structural, functional, and spatial information, amino acid conservation, physicochemical variation, residue mobility, and thermodynamic stability) indicates that this missense variant is not expected to disrupt ACBD5 protein function with a negative predictive value of 80%. In summary, the available evidence is currently insufficient to determine the role of this variant in disease. Therefore, it has been classified as a Variant of Uncertain Significance.

NM_145698.5(ACBD5):c.551G>A (p.Ser184Asn)

Gene: ACBD5 (acyl-CoA binding domain containing 5; minus strand). Cytogenetic location: 10p12.1.
Variant type: single nucleotide variant.
Coding change: c.551G>A on transcript NM_145698.5 (MANE Select); coding-DNA position 551, G replaced by A.
Protein change: p.Ser184Asn; replaces serine 184 with asparagine.
Molecular consequence: missense variant.
Genome position (GRCh38, 1-based): chr10:27,219,797, C>T on the plus strand (G>A on the coding strand, the complement: ACBD5 is on the minus strand). VCF-style: chr10-27219797-C-T. GRCh37 (hg19) VCF-style: chr10-27508726-C-T.
Other names: c.446G>A, p.Ser149Asn (NM_001042473.4, NM_001352577.2, NM_001352578.2 and 2 more transcripts); c.545G>A, p.Ser182Asn (NM_001271512.3, NM_001352587.1); c.224G>A, p.Ser75Asn (NM_001301251.2, NM_001301252.2, NM_001301253.2 and 3 more transcripts); c.605G>A, p.Ser202Asn (NM_001352568.1); c.584G>A, p.Ser195Asn (NM_001352569.1, NM_001352581.1); c.551G>A, p.Ser184Asn (NM_001352570.1, NM_001352588.1); c.578G>A, p.Ser193Asn (NM_001352571.1, NM_001352586.1); c.572G>A, p.Ser191Asn (NM_001352572.1); and 4 more; short protein forms S177N, S202N, S131N, S149N, S195N, S86N, S182N, S191N.
Identifiers: ClinVar variation 1950417 (VCV001950417.5), dbSNP rs1383619888, ClinGen allele CA376376152.